The following is an entry in ClinVar:

NM_001042492.3(NF1):c.6686_6687insT (p.Trp2229fs)

Gene: NF1 (neurofibromin 1; plus strand). Cytogenetic location: 17q11.2.
Variant type: Insertion.
Coding change: c.6686_6687insT on transcript NM_001042492.3 (MANE Select); coding-DNA positions 6686 to 6687, T inserted.
Protein change: p.Trp2229fs; shifts the reading frame from tryptophan 2229.
Molecular consequence: frameshift variant.
Genome position: GRCh38 VCF-style: chr17-31337862-G-GT. GRCh37 (hg19) VCF-style: chr17-29664880-G-GT.
Other names: c.6623_6624insT, p.Trp2208Cysfs (NM_000267.4); short protein forms W2208fs, W2229fs.
Identifiers: ClinVar variation 1699442 (VCV001699442.3), dbSNP rs2151557502, ClinGen allele CA2573130275.
Genomic context (GRCh38, chr17:31,337,862, plus strand): 5'-AGTATCCCCTTTTTTAGGCATGCATGAGAGATATTCCAACGTGCAAGTGGCTGGACCAGT[G>GT]GACAGAACTAGCTCAAAGGTATGTCCTAAATTAAATATAAGTTGTAAAAATATGCATATT-3'

ClinVar aggregate classification (germline): Pathogenic (1 of 4 stars; one submission).

Conditions:
Neurofibromatosis, type 1 (NF1). Also called: VON RECKLINGHAUSEN DISEASE; NEUROFIBROMATOSIS, TYPE I, SOMATIC; Peripheral type neurofibromatosis; Neurofibromatosis, type I. Identifiers: Orphanet 636, MedGen C0027831, MONDO:0018975, OMIM 162200. Disease mechanism: loss of function.

Submission:

Victorian Clinical Genetics Services, Murdoch Childrens Research Institute
Classification: Pathogenic for Neurofibromatosis, type 1. Last evaluated: 2022-06-24. Review status: criteria provided, single submitter. Criteria: ACMG Guidelines, 2015. Collection method: clinical testing. Allele origin: germline. Inheritance: Autosomal dominant inheritance. Affected: yes.
Comment: Based on the classification scheme VCGS_Germline_v1.3.4, this variant is classified as Pathogenic. Following criteria are met: 0102 - Loss of function is a known mechanism of disease in this gene and is associated with neurofibromatosis type 1 (MIM#162200). (I) 0115 - Variants in this gene are known to have variable expressivity (GeneReviews). (I) 0201 - Variant is predicted to cause nonsense-mediated decay (NMD) and loss of protein (premature termination codon is located at least 54 nucleotides upstream of the final exon-exon junction). (SP) 0251 - This variant is heterozygous. (I) 0107 - This gene is associated with autosomal dominant disease. (I) 0301 - Variant is absent from gnomAD (both v2 and v3). (SP) 0807 - This variant has no previous evidence of pathogenicity. (I) 0905 - No published segregation evidence has been identified for this variant. (I) 1007 - No published functional evidence has been identified for this variant. (I) 0701 - Other variants predicted to result in NMD comparable to the one identified in this case have very strong previous evidence for pathogenicity (DECIPHER). (SP) 1208 - Inheritance information for this variant is not currently available in this individual. (I) Legend: (SP) - Supporting pathogenic, (I) - Information, (SB) - Supporting benign